The following is an entry in ClinVar:

ClinVar aggregate classification (germline): Uncertain significance (1 of 4 stars; one submission).

Submission:

Ambry Genetics
Classification: Uncertain significance. Last evaluated: 2025-05-04. Review status: criteria provided, single submitter. Criteria: Ambry Variant Classification Scheme 2023. Collection method: clinical testing. Allele origin: germline.
Comment: The p.V81M variant (also known as c.241G>A), located in coding exon 1 of the ATRIP gene, results from a G to A substitution at nucleotide position 241. The valine at codon 81 is replaced by methionine, an amino acid with highly similar properties. This amino acid position is conserved. In addition, this alteration is predicted to be tolerated by in silico analysis. Based on the available evidence, the clinical significance of this variant remains unclear.

NM_130384.3(ATRIP):c.241G>A (p.Val81Met)

Genes: ATRIP (ATR interacting protein; plus strand), ATRIP-TREX1 (ATRIP-TREX1 readthrough; plus strand). Cytogenetic location: 3p21.31.
Variant type: single nucleotide variant.
Coding change: c.241G>A on transcript NM_130384.3 (MANE Select); coding-DNA position 241, G replaced by A.
Protein change: p.Val81Met; replaces valine 81 with methionine.
Molecular consequence: missense variant. On other transcripts: non-coding transcript variant (1), intron variant (1).
Genome position (GRCh38, 1-based): chr3:48,447,086, G>A. VCF-style: chr3-48447086-G-A. GRCh37 (hg19) VCF-style: chr3-48488490-G-A.
Other names: c.241G>A, p.Val81Met (NM_032166.4); c.-218+287G>A (NM_001271022.2); short protein forms V81M.
Identifiers: ClinVar variation 3976446 (VCV003976446.1).